The following is an entry in ClinVar:

ClinVar aggregate classification (germline): Likely benign (1 of 4 stars; one submission).

Allele frequency attached by ClinVar (database versions not stated): gnomAD exomes 0.00001; TOPMed 0.00001.
gnomAD v4.1: 14 of 1,613,980 alleles (0.00087%); highest among the groups gnomAD compares: African/African-American, 0.0013%; no homozygotes.

Submission:

CeGaT Center for Human Genetics Tuebingen
Classification: Likely benign. Last evaluated: 2022-04-01. Review status: criteria provided, single submitter. Criteria: CeGaT Center For Human Genetics Tuebingen Variant Classification Criteria Version 2. Collection method: clinical testing. Allele origin: germline. Affected: yes. Observed: 1 variant allele.
Comment: IDO2: BP4, BP7

NM_194294.5(IDO2):c.1140G>A (p.Arg380=)

Gene: IDO2 (indoleamine 2,3-dioxygenase 2; plus strand). Cytogenetic location: 8p11.21.
Variant type: single nucleotide variant.
Coding change: c.1140G>A on transcript NM_194294.5 (MANE Select); coding-DNA position 1140, G replaced by A.
Protein change: p.Arg380=; no amino-acid change (arginine 380 retained).
Molecular consequence: synonymous variant.
Genome position (GRCh38, 1-based): chr8:40,015,518, G>A. VCF-style: chr8-40015518-G-A. GRCh37 (hg19) VCF-style: chr8-39873037-G-A.
Other names: c.1140G>A, p.Arg380= (NM_001395206.1).
Identifiers: ClinVar variation 2658567 (VCV002658567.24), dbSNP rs1381206625, ClinGen allele CA460789242.